The following is an entry in ClinVar:

NM_031418.4(ANO3):c.2284T>C (p.Phe762Leu)

Gene: ANO3 (anoctamin 3; plus strand). Cytogenetic location: 11p14.2.
Variant type: single nucleotide variant.
Coding change: c.2284T>C on transcript NM_031418.4 (MANE Select); coding-DNA position 2284, T replaced by C.
Protein change: p.Phe762Leu; replaces phenylalanine 762 with leucine.
Molecular consequence: missense variant.
Genome position (GRCh38, 1-based): chr11:26,643,190, T>C. VCF-style: chr11-26643190-T-C. GRCh37 (hg19) VCF-style: chr11-26664737-T-C.
Other names: c.2467T>C, p.Phe823Leu (NM_001313726.2); c.1846T>C, p.Phe616Leu (NM_001313727.2); short protein forms F823L, F762L, F616L.
Identifiers: ClinVar variation 3715118 (VCV003715118.2).

ClinVar aggregate classification (germline): Uncertain significance (1 of 4 stars; one submission).

Conditions:
Dystonic disorder. Also called: Dystonia. Identifiers: MedGen C0013421, MONDO:0003441, HP:0001332.

gnomAD v4.1: 18 of 1,613,702 alleles (0.0011%); highest among the groups gnomAD compares: Non-Finnish European, 0.0015%; no homozygotes.

Submission:

Labcorp Genetics (formerly Invitae), Labcorp
Classification: Uncertain significance for Dystonic disorder. Last evaluated: 2025-01-14. Review status: criteria provided, single submitter. Criteria: Invitae Variant Classification Sherloc (09022015). Collection method: clinical testing. Allele origin: germline.
Comment: This sequence change replaces phenylalanine, which is neutral and non-polar, with leucine, which is neutral and non-polar, at codon 762 of the ANO3 protein (p.Phe762Leu). This variant is present in population databases (rs767778858, gnomAD 0.002%). This variant has not been reported in the literature in individuals affected with ANO3-related conditions. Invitae Evidence Modeling of protein sequence and biophysical properties (such as structural, functional, and spatial information, amino acid conservation, physicochemical variation, residue mobility, and thermodynamic stability) has been performed for this missense variant. However, the output from this modeling did not meet the statistical confidence thresholds required to predict the impact of this variant on ANO3 protein function. In summary, the available evidence is currently insufficient to determine the role of this variant in disease. Therefore, it has been classified as a Variant of Uncertain Significance.